The following is an entry in ClinVar:

ClinVar aggregate classification (germline): Uncertain significance (1 of 4 stars; one submission).

Conditions:
Chédiak-Higashi syndrome (CHS). Also called: Chediak-Higashi Syndrome. Identifiers: Orphanet 167, MedGen C0007965, MONDO:0008963, OMIM 214500.

Allele frequency attached by ClinVar (database versions not stated): gnomAD exomes below 0.00001.
gnomAD v4.1: 1 of 1,613,680 alleles (0.000062%); highest among the groups gnomAD compares: Non-Finnish European, 0.000085%; no homozygotes.

Submission:

Labcorp Genetics (formerly Invitae), Labcorp
Classification: Uncertain significance for Chédiak-Higashi syndrome. Last evaluated: 2024-11-05. Review status: criteria provided, single submitter. Criteria: Invitae Variant Classification Sherloc (09022015). Collection method: clinical testing. Allele origin: germline.
Comment: This sequence change replaces glutamic acid, which is acidic and polar, with glycine, which is neutral and non-polar, at codon 1275 of the LYST protein (p.Glu1275Gly). This variant is not present in population databases (gnomAD no frequency). This variant has not been reported in the literature in individuals affected with LYST-related conditions. ClinVar contains an entry for this variant (Variation ID: 1018389). Invitae Evidence Modeling of protein sequence and biophysical properties (such as structural, functional, and spatial information, amino acid conservation, physicochemical variation, residue mobility, and thermodynamic stability) indicates that this missense variant is not expected to disrupt LYST protein function with a negative predictive value of 80%. In summary, the available evidence is currently insufficient to determine the role of this variant in disease. Therefore, it has been classified as a Variant of Uncertain Significance.

NM_000081.4(LYST):c.3824A>G (p.Glu1275Gly)

Gene: LYST (lysosomal trafficking regulator; minus strand). Cytogenetic location: 1q42.3.
Variant type: single nucleotide variant.
Coding change: c.3824A>G on transcript NM_000081.4 (MANE Select); coding-DNA position 3824, A replaced by G.
Protein change: p.Glu1275Gly; replaces glutamic acid 1275 with glycine.
Molecular consequence: missense variant.
Genome position (GRCh38, 1-based): chr1:235,800,986, T>C on the plus strand (A>G on the coding strand, the complement: LYST is on the minus strand). VCF-style: chr1-235800986-T-C. GRCh37 (hg19) VCF-style: chr1-235964286-T-C.
Other names: c.3824A>G, p.Glu1275Gly (NM_001301365.1); short protein forms E1275G.
Identifiers: ClinVar variation 1018389 (VCV001018389.8), dbSNP rs2527015778, ClinGen allele CA344943864.
Genomic context (GRCh38, chr1:235,800,986, plus strand): 5'-CTCTCAAATACATGGGCAAGCACATCAAGTTTGGCTTTACTAGCAGAAAGCAAATTTAAT[T>C]CCAGCATACAAATCTCAGGATAAATTATTTCCCCTTGAGTGAGGTTTTCGAGTAAGTCAT-3'
Protein context (NP_000072.2, residues 1265-1285): EIIYPEICML[Glu1275Gly]LNLLSASKAK